The following is an entry in ClinVar:

NM_005514.8(HLA-B):c.279C>A (p.Ala93=)

Gene: HLA-B (major histocompatibility complex, class I, B; minus strand). Cytogenetic location: 6p21.33.
Variant type: single nucleotide variant.
Coding change: c.279C>A on transcript NM_005514.8 (MANE Select); coding-DNA position 279, C replaced by A.
Protein change: p.Ala93=; no amino-acid change (alanine 93 retained).
Molecular consequence: synonymous variant.
Genome position (GRCh38, 1-based): chr6:31,356,752, G>T on the plus strand (C>A on the coding strand, the complement: HLA-B is on the minus strand). VCF-style: chr6-31356752-G-T. GRCh37 (hg19) VCF-style: chr6-31324529-G-T.
Identifiers: ClinVar variation 4085015 (VCV004085015.8).

ClinVar aggregate classification (germline): Likely benign (1 of 4 stars; one submission).

Submission:

CeGaT Center for Human Genetics Tuebingen
Classification: Likely benign. Last evaluated: 2025-07-01. Review status: criteria provided, single submitter. Criteria: CeGaT Center For Human Genetics Tuebingen Variant Classification Criteria Version 2. Collection method: clinical testing. Allele origin: germline. Affected: yes. Observed: 1 variant allele.
Comment: HLA-B: BP4, BP7